The following is an entry in ClinVar:

NM_000548.5(TSC2):c.5108T>C (p.Val1703Ala)

Gene: TSC2 (TSC complex subunit 2; plus strand). Cytogenetic location: 16p13.3.
Variant type: single nucleotide variant.
Coding change: c.5108T>C on transcript NM_000548.5 (MANE Select); coding-DNA position 5108, T replaced by C.
Protein change: p.Val1703Ala; replaces valine 1703 with alanine.
Molecular consequence: missense variant.
Genome position (GRCh38, 1-based): chr16:2,088,087, T>C. VCF-style: chr16-2088087-T-C. GRCh37 (hg19) VCF-style: chr16-2138088-T-C.
Other names: c.4907T>C, p.Val1636Ala (NM_001077183.3); c.5039T>C, p.Val1680Ala (NM_001114382.3); c.4799T>C, p.Val1600Ala (NM_001318827.2); c.4763T>C, p.Val1588Ala (NM_001318829.2); c.4376T>C, p.Val1459Ala (NM_001318831.2); c.4940T>C, p.Val1647Ala (NM_001318832.2); c.4910T>C, p.Val1637Ala (NM_001363528.2); c.4976T>C, p.Val1659Ala (NM_001370404.1); and 1 more; short protein forms V1703A, V1459A, V1588A, V1637A, V1600A, V1636A, V1647A, V1680A.
Identifiers: ClinVar variation 468138 (VCV000468138.19), dbSNP rs45498401, ClinGen allele CA394312269.
Genomic context (GRCh38, chr16:2,088,087, plus strand): 5'-GTGACCACCAAGTCTCCCCAGACATGGAGGGCCTTGTGGACACCAGCGTGGCCAAGATCG[T>C]GTCTGACCGCAACCTGCCCTTCGTGGCCCGCCAGATGGCCCTGCACGCAAATGTGAGTGG-3'
Protein context (NP_000539.2, residues 1693-1713): GLVDTSVAKI[Val1703Ala]SDRNLPFVAR

ClinVar aggregate classification (germline): Uncertain significance. Review status: criteria provided, multiple submitters, no conflicts (2 of 4 stars). 6 submissions from 6 submitters: Uncertain significance (6). Last evaluated 2025-06-24.

Conditions:
Tuberous sclerosis syndrome (TSC). Also called: Tuberous Sclerosis Complex; Tuberous sclerosis. Identifiers: Orphanet 805, MedGen C0041341, MONDO:0001734.
Tuberous sclerosis 2 (TSC2). Identifiers: Orphanet 805, MedGen C1860707, MONDO:0013199, OMIM 613254.
Isolated focal cortical dysplasia type II (FCORD2). Also called: CORTICAL DYSPLASIA OF TAYLOR; Focal cortical dysplasia type II. Identifiers: Orphanet 268994, MedGen C1846385, MONDO:0011818, OMIM 607341, HP:0032051.
Lymphangiomyomatosis (LAM). Also called: Lymphangioleiomyomatosis; Lymphangioleiomyomatosis, somatic. Identifiers: Orphanet 538, MedGen C0751674, MONDO:0011705, OMIM 606690.
Hereditary cancer-predisposing syndrome. Also called: Hereditary neoplastic syndrome; Neoplastic Syndromes, Hereditary; Tumor predisposition; Hereditary Cancer Syndrome. Identifiers: Orphanet 140162, MedGen C0027672, MeSH D009386, MONDO:0015356.

Allele frequency attached by ClinVar (database versions not stated): gnomAD exomes below 0.00001.
gnomAD v4.1: 2 of 1,612,810 alleles (0.00012%); highest among the groups gnomAD compares: Non-Finnish European, 0.00017%; no homozygotes.

Submissions (6):

Color Diagnostics, LLC DBA Color Health
Classification: Uncertain significance for Tuberous sclerosis syndrome. Last evaluated: 2025-06-24. Review status: criteria provided, single submitter. Criteria: ACMG Guidelines, 2015. Collection method: clinical testing. Allele origin: germline.
Comment: This missense variant replaces valine with alanine at codon 1703 of the TSC2 protein. Computational prediction suggests that this variant may have deleterious impact on protein structure and function. To our knowledge, functional studies have not been reported for this variant. This variant has not been reported in individuals affected with TSC2-related disorders in the literature. This variant has not been identified in the general population by the Genome Aggregation Database (gnomAD). The available evidence is insufficient to determine the role of this variant in disease conclusively. Therefore, this variant is classified as a Variant of Uncertain Significance.

Fulgent Genetics
Classification: Uncertain significance for Lymphangiomyomatosis; Isolated focal cortical dysplasia type II; Tuberous sclerosis 2. Last evaluated: 2024-06-04. Review status: criteria provided, single submitter. Criteria: ACMG Guidelines, 2015. Collection method: clinical testing. Allele origin: germline.

Labcorp Genetics (formerly Invitae), Labcorp
Classification: Uncertain significance for Tuberous sclerosis 2. Last evaluated: 2024-05-11. Review status: criteria provided, single submitter. Criteria: Invitae Variant Classification Sherloc (09022015). Collection method: clinical testing. Allele origin: germline.
Comment: This sequence change replaces valine, which is neutral and non-polar, with alanine, which is neutral and non-polar, at codon 1703 of the TSC2 protein (p.Val1703Ala). This variant is not present in population databases (gnomAD no frequency). This variant has not been reported in the literature in individuals affected with TSC2-related conditions. ClinVar contains an entry for this variant (Variation ID: 468138). Advanced modeling of protein sequence and biophysical properties (such as structural, functional, and spatial information, amino acid conservation, physicochemical variation, residue mobility, and thermodynamic stability) has been performed at Invitae for this missense variant, however the output from this modeling did not meet the statistical confidence thresholds required to predict the impact of this variant on TSC2 protein function. In summary, the available evidence is currently insufficient to determine the role of this variant in disease. Therefore, it has been classified as a Variant of Uncertain Significance.

Ambry Genetics
Classification: Uncertain significance for Hereditary cancer-predisposing syndrome. Last evaluated: 2024-03-05. Review status: criteria provided, single submitter. Criteria: Ambry Variant Classification Scheme 2023. Collection method: clinical testing. Allele origin: germline.
Comment: The p.V1703A variant (also known as c.5108T>C), located in coding exon 39 of the TSC2 gene, results from a T to C substitution at nucleotide position 5108. The valine at codon 1703 is replaced by alanine, an amino acid with similar properties. This amino acid position is well conserved in available vertebrate species. In addition, this alteration is predicted to be deleterious by in silico analysis. Since supporting evidence is limited at this time, the clinical significance of this alteration remains unclear.

All of Us Research Program, National Institutes of Health
Classification: Uncertain significance for Tuberous sclerosis syndrome. Last evaluated: 2023-04-27. Review status: criteria provided, single submitter. Criteria: ACMG Guidelines, 2015. Collection method: clinical testing. Allele origin: germline. Inheritance: Autosomal dominant inheritance. Observed: 2 variant alleles, 2 heterozygotes.
Comment: This study involves interpretation of variants in research participants for the purpose of population health screening. Participant phenotype was not available at the time of variant classification. Additional details can be found in publication PMID: 35346344, PMCID: PMC8962531

Revvity Omics, Revvity
Classification: Uncertain significance for Tuberous sclerosis 2. Last evaluated: 2019-04-08. Review status: criteria provided, single submitter. Criteria: ACMG Guidelines, 2015. Collection method: clinical testing. Allele origin: germline.